The following is an entry in ClinVar:

NM_001105206.3(LAMA4):c.4274G>A (p.Ser1425Asn)

Gene: LAMA4 (laminin subunit alpha 4; minus strand). Cytogenetic location: 6q21.
Variant type: single nucleotide variant.
Coding change: c.4274G>A on transcript NM_001105206.3 (MANE Select); coding-DNA position 4274, G replaced by A.
Protein change: p.Ser1425Asn; replaces serine 1425 with asparagine.
Molecular consequence: missense variant.
Genome position (GRCh38, 1-based): chr6:112,128,935, C>T on the plus strand (G>A on the coding strand, the complement: LAMA4 is on the minus strand). VCF-style: chr6-112128935-C-T. GRCh37 (hg19) VCF-style: chr6-112450137-C-T.
Other names: c.4253G>A, p.Ser1418Asn (NM_001105207.3, NM_002290.5); short protein forms S1418N, S1425N.
Identifiers: ClinVar variation 1310895 (VCV001310895.5), dbSNP rs782173105, ClinGen allele CA3965019.
Genomic context (GRCh38, chr6:112,128,935, plus strand): 5'-ATGGAAAATGATGACAATTAGGAAGTCAGAACGGCATTATCTTTTACCTTTTTATTCTGA[C>T]TTGCTTTAGGCTTGGATAAATTTTTTCCTTTTTTATGGAGGAGAAACAATGGTGAAGACT-3'
Protein context (NP_001098676.2, residues 1415-1435): KGKNLSKPKA[Ser1425Asn]QNKKGGKSKD

ClinVar aggregate classification (germline): Uncertain significance. Review status: criteria provided, multiple submitters, no conflicts (2 of 4 stars). 2 submissions from 2 submitters: Uncertain significance (2). Last evaluated 2024-01-25.

Conditions:
Dilated cardiomyopathy 1JJ (CMD1JJ). Identifiers: Orphanet 154, MedGen C3808935, MONDO:0014095, OMIM 615235.

Allele frequency attached by ClinVar (database versions not stated): ExAC 0.00002; gnomAD exomes 0.00002.
gnomAD v4.1: 14 of 1,613,072 alleles (0.00087%); highest among the groups gnomAD compares: South Asian, 0.015%; no homozygotes.

Submissions (2):

Labcorp Genetics (formerly Invitae), Labcorp
Classification: Uncertain significance for Dilated cardiomyopathy 1JJ. Last evaluated: 2024-01-25. Review status: criteria provided, single submitter. Criteria: Invitae Variant Classification Sherloc (09022015). Collection method: clinical testing. Allele origin: germline.
Comment: This sequence change replaces serine, which is neutral and polar, with asparagine, which is neutral and polar, at codon 1418 of the LAMA4 protein (p.Ser1418Asn). This variant is present in population databases (rs782173105, gnomAD 0.02%). This variant has not been reported in the literature in individuals affected with LAMA4-related conditions. ClinVar contains an entry for this variant (Variation ID: 1310895). Algorithms developed to predict the effect of missense changes on protein structure and function output the following: SIFT: "Not Available"; PolyPhen-2: "Benign"; Align-GVGD: "Not Available". The asparagine amino acid residue is found in multiple mammalian species, which suggests that this missense change does not adversely affect protein function. In summary, the available evidence is currently insufficient to determine the role of this variant in disease. Therefore, it has been classified as a Variant of Uncertain Significance.

GeneDx
Classification: Uncertain significance. Last evaluated: 2019-12-09. Review status: criteria provided, single submitter. Criteria: GeneDx Variant Classification Process June 2021. Collection method: clinical testing. Allele origin: germline. Affected: yes.
Comment: Has not been previously published as pathogenic or benign to our knowledge; In silico analysis, which includes protein predictors and evolutionary conservation, supports that this variant does not alter protein structure/function